The following is an entry in ClinVar:

ClinVar aggregate classification (germline): Conflicting classifications of pathogenicity. Review status: criteria provided, conflicting classifications (1 of 4 stars). 2 submissions from 2 submitters: Uncertain significance (1); Likely benign (1). Last evaluated 2023-11-18.

Conditions:
Neurofibromatosis, type 1 (NF1). Also called: Peripheral type neurofibromatosis; Neurofibromatosis, type I; VON RECKLINGHAUSEN DISEASE; NEUROFIBROMATOSIS, TYPE I, SOMATIC. Identifiers: Orphanet 636, MedGen C0027831, MONDO:0018975, OMIM 162200. Disease mechanism: loss of function.

Submissions (2):

Labcorp Genetics (formerly Invitae), Labcorp
Classification: Likely benign for Neurofibromatosis, type 1. Last evaluated: 2023-11-18. Review status: criteria provided, single submitter. Criteria: Invitae Variant Classification Sherloc (09022015). Collection method: clinical testing. Allele origin: germline.

Genetic Services Laboratory, University of Chicago
Classification: Uncertain significance. Last evaluated: 2020-06-10. Review status: criteria provided, single submitter. Criteria: ACMG Guidelines, 2015. Collection method: clinical testing. Allele origin: germline. Affected: no.
Comment: DNA sequence analysis of the NF1 gene demonstrated a sequence change, c.1233A>G, in exon 11 which does not result in an amino acid change. This sequence change does not appear to have been previously described in patients with NF1-related disorders and has also not been described in population databases (gnomAD, ExAC). This sequence change affects a weakly conserved nucleotide and is not predicted to have a deleterious effect on splicing based on in silico splice prediction programs. As the c.1233A>G sequence change does not result in a change in the NF1 amino acid sequence, it is possible that this change is non-pathogenic and represents a benign sequence variant of the NF1 gene, however functional studies have not been performed to prove this conclusively. The functional significance of this sequence change is not known at present and its contribution to this patient's disease phenotype cannot definitively be determined.

NM_001042492.3(NF1):c.1233A>G (p.Val411=)

Gene: NF1 (neurofibromin 1; plus strand). Cytogenetic location: 17q11.2.
Variant type: single nucleotide variant.
Coding change: c.1233A>G on transcript NM_001042492.3 (MANE Select); coding-DNA position 1233, A replaced by G.
Protein change: p.Val411=; no amino-acid change (valine 411 retained).
Molecular consequence: synonymous variant.
Genome position (GRCh38, 1-based): chr17:31,201,458, A>G. VCF-style: chr17-31201458-A-G. GRCh37 (hg19) VCF-style: chr17-29528476-A-G.
Other names: c.1233A>G, p.Val411= (NM_000267.4, NM_001128147.3).
Identifiers: ClinVar variation 1337674 (VCV001337674.7), dbSNP rs2143886403, ClinGen allele CA499220617.